The following is an entry in ClinVar:

NM_020778.5(ALPK3):c.377A>G (p.Tyr126Cys)

Gene: ALPK3 (alpha kinase 3; plus strand). Cytogenetic location: 15q25.3.
Variant type: single nucleotide variant.
Coding change: c.377A>G on transcript NM_020778.5 (MANE Select); coding-DNA position 377, A replaced by G.
Protein change: p.Tyr126Cys; replaces tyrosine 126 with cysteine.
Molecular consequence: missense variant.
Genome position (GRCh38, 1-based): chr15:84,839,052, A>G. VCF-style: chr15-84839052-A-G. GRCh37 (hg19) VCF-style: chr15-85382283-A-G.
Other names: short protein forms Y126C.
Identifiers: ClinVar variation 3346768 (VCV003346768.1).

ClinVar aggregate classification (germline): Uncertain significance (0 of 4 stars; one submission).

Conditions:
ALPK3-related disorder. Also called: ALPK3-related condition.

gnomAD v4.1: 1 of 1,612,534 alleles (0.000062%); highest among the groups gnomAD compares: East Asian, 0.0022%; no homozygotes.

Submission:

PreventionGenetics, part of Exact Sciences
Classification: Uncertain significance for ALPK3-related condition. Last evaluated: 2024-05-10. Review status: no assertion criteria provided. Collection method: clinical testing. Allele origin: germline.
Comment: The ALPK3 c.983A>G variant is predicted to result in the amino acid substitution p.Tyr328Cys. To our knowledge, this variant has not been reported in the literature or in a large population database, indicating this variant is rare. At this time, the clinical significance of this variant is uncertain due to the absence of conclusive functional and genetic evidence.